The following is an entry in ClinVar:

ClinVar aggregate classification (germline): Conflicting classifications of pathogenicity. Review status: criteria provided, conflicting classifications (1 of 4 stars). 8 submissions from 8 submitters: Uncertain significance (1); Likely benign (4). 3 of the submissions do not count toward it. Last evaluated 2026-01-24.

Conditions:
UNG-related disorder. Also called: UNG-related condition.
Hyper-IgM syndrome type 5 (HIGM5). Also called: Hyper-IgM Immunodeficiency Syndrome, Type 5. Identifiers: Orphanet 101092, MedGen C1720958, MONDO:0011971, OMIM 608106.

Allele frequency attached by ClinVar (database versions not stated): 1000 Genomes Project 30x 0.00016; 1000 Genomes Project 0.00020; ESP Exome Variant Server 0.00031; gnomAD 0.00038 and 0.00041; TOPMed 0.00043; gnomAD exomes 0.00052; ExAC 0.00059.

Submissions (8):

Labcorp Genetics (formerly Invitae), Labcorp
Classification: Likely benign for Hyper-IgM syndrome type 5. Last evaluated: 2026-01-24. Review status: criteria provided, single submitter. Criteria: Invitae Variant Classification Sherloc (09022015). Collection method: clinical testing. Allele origin: germline.

CeGaT Center for Human Genetics Tuebingen
Classification: Likely benign. Last evaluated: 2025-07-01. Review status: criteria provided, single submitter. Criteria: CeGaT Center For Human Genetics Tuebingen Variant Classification Criteria Version 2. Collection method: clinical testing. Allele origin: germline. Affected: yes. Observed: 2 variant alleles.
Comment: UNG: BP4, BP7

Blueprint Genetics
Classification: Likely benign. Last evaluated: 2024-11-14. Review status: criteria provided, single submitter. Criteria: ACMG Guidelines, 2015. Collection method: clinical testing. Allele origin: germline.

ARUP Laboratories, Molecular Genetics and Genomics, ARUP Laboratories
Classification: Likely benign for Hyper-IgM syndrome type 5. Last evaluated: 2024-11-01. Review status: criteria provided, single submitter. Criteria: ARUP Molecular Germline Variant Investigation Process 2024. Collection method: clinical testing. Allele origin: germline.

Illumina Laboratory Services, Illumina
Classification: Uncertain significance for Hyper-IgM syndrome type 5. Last evaluated: 2018-01-13. Review status: criteria provided, single submitter. Criteria: ICSL Variant Classification Criteria 13 December 2019. Collection method: clinical testing. Allele origin: germline.

PreventionGenetics, part of Exact Sciences
Classification: Likely benign for UNG-related condition. Last evaluated: 2020-03-13. Review status: no assertion criteria provided. Collection method: clinical testing. Allele origin: germline. Not counted in ClinVar's aggregate classification.
Comment: This variant is classified as likely benign based on ACMG/AMP sequence variant interpretation guidelines (Richards et al. 2015 PMID: 25741868, with internal and published modifications).

Clinical Genetics DNA and cytogenetics Diagnostics Lab, Erasmus MC, Erasmus Medical Center
Classification: Likely benign. Review status: no assertion criteria provided. Collection method: clinical testing. Allele origin: germline. Affected: yes. Study: VKGL Data-share Consensus. Not counted in ClinVar's aggregate classification.

Genome Diagnostics Laboratory, University Medical Center Utrecht
Classification: Likely benign. Review status: no assertion criteria provided. Collection method: clinical testing. Allele origin: germline. Affected: yes. Study: VKGL Data-share Consensus. Not counted in ClinVar's aggregate classification.

NM_080911.3(UNG):c.183G>A (p.Pro61=)

Gene: UNG (uracil DNA glycosylase; plus strand). Cytogenetic location: 12q24.11.
Variant type: single nucleotide variant.
Coding change: c.183G>A on transcript NM_080911.3 (MANE Select); coding-DNA position 183, G replaced by A.
Protein change: p.Pro61=; no amino-acid change (proline 61 retained).
Molecular consequence: synonymous variant.
Genome position (GRCh38, 1-based): chr12:109,098,482, G>A. VCF-style: chr12-109098482-G-A. GRCh37 (hg19) VCF-style: chr12-109536287-G-A.
Other names: c.156G>A, p.Pro52= (NM_003362.4).
Identifiers: ClinVar variation 789324 (VCV000789324.44), dbSNP rs147490205, ClinGen allele CA6772516.